The following is an entry in ClinVar:

ClinVar aggregate classification (germline): Benign/Likely benign. Review status: criteria provided, multiple submitters, no conflicts (2 of 4 stars). 2 submissions from 2 submitters: Benign (1); Likely benign (1). Last evaluated 2025-12-31.

gnomAD v4.1: 463 of 1,613,844 alleles (0.029%); highest among the groups gnomAD compares: Admixed American, 0.15%; 2 homozygotes.

Submissions (2):

Labcorp Genetics (formerly Invitae), Labcorp
Classification: Benign. Last evaluated: 2025-12-31. Review status: criteria provided, single submitter. Criteria: Invitae Variant Classification Sherloc (09022015). Collection method: clinical testing. Allele origin: germline.

Mayo Clinic Laboratories, Mayo Clinic
Classification: Likely benign. Last evaluated: 2025-07-18. Review status: criteria provided, single submitter. Criteria: ACMG Guidelines, 2015. Collection method: clinical testing. Allele origin: germline. Observed: 1 variant allele.
Comment: BS2, BP4_moderate

NM_001256071.3(RNF213):c.2488A>C (p.Thr830Pro)

Gene: RNF213 (ring finger protein 213; plus strand). Cytogenetic location: 17q25.3.
Variant type: single nucleotide variant.
Coding change: c.2488A>C on transcript NM_001256071.3 (MANE Select); coding-DNA position 2488, A replaced by C.
Protein change: p.Thr830Pro; replaces threonine 830 with proline.
Molecular consequence: missense variant.
Genome position (GRCh38, 1-based): chr17:80,307,188, A>C. VCF-style: chr17-80307188-A-C. GRCh37 (hg19) VCF-style: chr17-78280988-A-C.
Other names: p.Thr830Pro; c.2635A>C, p.Thr879Pro (NM_001410195.1, NM_020914.5); c.2488A>C, p.Thr830Pro (NM_020954.4); short protein forms T830P, T879P.
Identifiers: ClinVar variation 4684263 (VCV004684263.2).
Genomic context (GRCh38, chr17:80,307,188, plus strand): 5'-GATGTTCAGGATGTTCAGAACGTTCAGAACATTTTAGAAATGCTGTTGCGACTCCTGGAC[A>C]CTTACCGGGACAAGTAAGTGGAAAGCACGATGCAGTCTCTCCCTCACATGCGGCCCCCGG-3'
Protein context (NP_001243000.2, residues 820-840): ILEMLLRLLD[Thr830Pro]YRDKIPEEAL